The following is an entry in ClinVar:

NM_001289808.2(CRYAB):c.524A>T (p.Lys175Ile)

Gene: CRYAB (crystallin alpha B; minus strand). Cytogenetic location: 11q23.1.
Variant type: single nucleotide variant.
Coding change: c.524A>T on transcript NM_001289808.2 (MANE Select); coding-DNA position 524, A replaced by T.
Protein change: p.Lys175Ile; replaces lysine 175 with isoleucine.
Molecular consequence: missense variant.
Genome position (GRCh38, 1-based): chr11:111,908,768, T>A on the plus strand (A>T on the coding strand, the complement: CRYAB is on the minus strand). VCF-style: chr11-111908768-T-A. GRCh37 (hg19) VCF-style: chr11-111779492-T-A.
Other names: c.524A>T, p.Lys175Ile (NM_001289807.1, NM_001368245.1, NM_001885.3); c.323A>T, p.Lys108Ile (NM_001330379.1, NM_001368246.1); c.524A>T (NM_001885.1); short protein forms K108I, K175I.
Identifiers: ClinVar variation 1417682 (VCV001417682.8), dbSNP rs1965351856, ClinGen allele CA382595295.
Genomic context (GRCh38, chr11:111,908,768, plus strand): 5'-CATTCACTGGTGGGGAAACTTTCTTGTTTTAAAAAATGCAATTCAAGAAAGGGCATCTAT[T>A]TCTTGGGGGCTGCGGTGACAGCAGGCTTCTCTTCACGGGTGATGGGAATGGTGCGCTCAG-3'
Protein context (NP_001276737.1, residues 165-175): EKPAVTAAPK[Lys175Ile]

ClinVar aggregate classification (germline): Uncertain significance. Review status: criteria provided, multiple submitters, no conflicts (2 of 4 stars). 2 submissions from 2 submitters: Uncertain significance (2). Last evaluated 2024-11-05.

Conditions:
Cardiovascular phenotype. Identifiers: MedGen CN230736.
Dilated cardiomyopathy 1II (CMD1II). Identifiers: Orphanet 154, MedGen C3554649, MONDO:0014073, OMIM 615184.

Allele frequency attached by ClinVar (database versions not stated): gnomAD exomes below 0.00001; TOPMed below 0.00001.
gnomAD v4.1: 3 of 1,612,634 alleles (0.00019%); highest among the groups gnomAD compares: Non-Finnish European, 0.00025%; no homozygotes.

Submissions (2):

Ambry Genetics
Classification: Uncertain significance for Cardiovascular phenotype. Last evaluated: 2024-11-05. Review status: criteria provided, single submitter. Criteria: Ambry Variant Classification Scheme 2023. Collection method: clinical testing. Allele origin: germline.
Comment: The p.K175I variant (also known as c.524A>T), located in coding exon 3 of the CRYAB gene, results from an A to T substitution at nucleotide position 524. The lysine at codon 175 is replaced by isoleucine, an amino acid with dissimilar properties. This amino acid position is conserved. In addition, the in silico prediction for this alteration is inconclusive. Based on the available evidence, the clinical significance of this variant remains unclear.

Labcorp Genetics (formerly Invitae), Labcorp
Classification: Uncertain significance for Dilated cardiomyopathy 1II. Last evaluated: 2024-06-02. Review status: criteria provided, single submitter. Criteria: Invitae Variant Classification Sherloc (09022015). Collection method: clinical testing. Allele origin: germline.
Comment: This sequence change replaces lysine, which is basic and polar, with isoleucine, which is neutral and non-polar, at codon 175 of the CRYAB protein (p.Lys175Ile). This variant is not present in population databases (gnomAD no frequency). This variant has not been reported in the literature in individuals affected with CRYAB-related conditions. ClinVar contains an entry for this variant (Variation ID: 1417682). An algorithm developed to predict the effect of missense changes on protein structure and function (PolyPhen-2) suggests that this variant is likely to be disruptive. In summary, the available evidence is currently insufficient to determine the role of this variant in disease. Therefore, it has been classified as a Variant of Uncertain Significance.